The following is an entry in ClinVar:

ClinVar aggregate classification (germline): Uncertain significance. Review status: criteria provided, single submitter (1 of 4 stars). 2 submissions from 2 submitters: Uncertain significance (1). 1 of the submissions does not count toward it. Last evaluated 2025-04-10.

Conditions:
Autosomal recessive nonsyndromic hearing loss 3. Also called: NEUROSENSORY NONSYNDROMIC RECESSIVE DEAFNESS 3. Identifiers: Orphanet 90636, MedGen C1838263, MONDO:0010860, OMIM 600316.

Allele frequency attached by ClinVar (database versions not stated): gnomAD 0.00001.
gnomAD v4.1: 48 of 1,588,568 alleles (0.003%); highest among the groups gnomAD compares: Non-Finnish European, 0.0039%; no homozygotes.

Submissions (2):

GeneDx
Classification: Uncertain significance. Last evaluated: 2025-04-10. Review status: criteria provided, single submitter. Criteria: GeneDx Variant Classification Process June 2021. Collection method: clinical testing. Allele origin: germline.
Comment: Not observed at significant frequency in large population cohorts (gnomAD); In silico analysis indicates that this missense variant does not alter protein structure/function; This variant is associated with the following publications: (PMID: 29907799)

Division of Human Genetics, Children's Hospital of Philadelphia
Classification: Uncertain significance for Autosomal recessive nonsyndromic hearing loss 3. Last evaluated: 2016-06-29. Review status: no assertion criteria provided. Collection method: research. Allele origin: maternal. Affected: yes. Study: CSER-PediSeq. Not counted in ClinVar's aggregate classification.

NM_016239.4(MYO15A):c.1721G>C (p.Arg574Pro)

Gene: MYO15A (myosin XVA; plus strand). Cytogenetic location: 17p11.2.
Variant type: single nucleotide variant.
Coding change: c.1721G>C on transcript NM_016239.4 (MANE Select); coding-DNA position 1721, G replaced by C.
Protein change: p.Arg574Pro; replaces arginine 574 with proline.
Molecular consequence: missense variant.
Genome position (GRCh38, 1-based): chr17:18,120,521, G>C. VCF-style: chr17-18120521-G-C. GRCh37 (hg19) VCF-style: chr17-18023835-G-C.
Other names: short protein forms R574P.
Identifiers: ClinVar variation 417944 (VCV000417944.3), dbSNP rs964336018, ClinGen allele CA16616931.